The following is an entry in ClinVar:

NM_001244710.2(GFPT1):c.1105+7A>G

Gene: GFPT1 (glutamine--fructose-6-phosphate transaminase 1; minus strand). Cytogenetic location: 2p13.3.
Variant type: single nucleotide variant.
Coding change: c.1105+7A>G on transcript NM_001244710.2 (MANE Select); 7 bases into the intron after coding-DNA position 1105, A replaced by G.
Molecular consequence: intron variant.
Genome position (GRCh38, 1-based): chr2:69,345,897, T>C on the plus strand (A>G on the coding strand, the complement: GFPT1 is on the minus strand). VCF-style: chr2-69345897-T-C. GRCh37 (hg19) VCF-style: chr2-69573029-T-C.
Other names: p.?; c.1051+7A>G (NM_002056.4).
Identifiers: ClinVar variation 129151 (VCV000129151.28), dbSNP rs6722492, ClinGen allele CA152968.

ClinVar aggregate classification (germline): Benign. Review status: criteria provided, multiple submitters, no conflicts (2 of 4 stars). 11 submissions from 11 submitters: Benign (11). Last evaluated 2026-02-04.

Conditions:
Congenital myasthenic syndrome 12 (CMS12). Also called: Myasthenia, congenital, 12, with tubular aggregates; MYASTHENIC SYNDROME, CONGENITAL, WITH TUBULAR AGGREGATES 1. Identifiers: Orphanet 353327, Orphanet 590, MedGen C3552335, MONDO:0012518, OMIM 610542.

Allele frequency attached by ClinVar (database versions not stated): 1000 Genomes Project 0.64716; gnomAD 0.65211 and 0.65895; 1000 Genomes Project 30x 0.65412; TOPMed 0.65882; ESP Exome Variant Server 0.67541.
gnomAD v4.1: 799,484 of 1,363,988 alleles (59%); highest among the groups gnomAD compares: African/African-American, 85%; 238,445 homozygotes.

Submissions (11):

Labcorp Genetics (formerly Invitae), Labcorp
Classification: Benign for Congenital myasthenic syndrome 12. Last evaluated: 2026-02-04. Review status: criteria provided, single submitter. Criteria: Invitae Variant Classification Sherloc (09022015). Collection method: clinical testing. Allele origin: germline.

Blueprint Genetics
Classification: Benign. Last evaluated: 2024-11-26. Review status: criteria provided, single submitter. Criteria: ACMG Guidelines, 2015. Collection method: clinical testing. Allele origin: germline.

Genome-Nilou Lab
Classification: Benign for Congenital myasthenic syndrome 12. Last evaluated: 2021-08-10. Review status: criteria provided, single submitter. Criteria: ACMG Guidelines, 2015. Collection method: clinical testing. Allele origin: germline. Affected: no.

Women's Health and Genetics/Laboratory Corporation of America, LabCorp
Classification: Benign. Last evaluated: 2021-04-29. Review status: criteria provided, single submitter. Criteria: LabCorp Variant Classification Summary - May 2015. Collection method: clinical testing. Allele origin: germline.

Mayo Clinic Laboratories, Mayo Clinic
Classification: Benign. Last evaluated: 2018-09-24. Review status: criteria provided, single submitter. Criteria: ACMG Guidelines, 2015. Collection method: clinical testing. Allele origin: germline. Observed: 412 variant alleles.

Illumina Laboratory Services, Illumina
Classification: Benign for Congenital myasthenic syndrome 12. Last evaluated: 2018-01-13. Review status: criteria provided, single submitter. Criteria: ICSL Variant Classification Criteria 13 December 2019. Collection method: clinical testing. Allele origin: germline.
Comment: This variant was observed in the ICSL laboratory as part of a predisposition screen in an ostensibly healthy population. It had not been previously curated by ICSL or reported in the Human Gene Mutation Database (HGMD: prior to June 1st, 2018), and was therefore a candidate for classification through an automated scoring system. Utilizing variant allele frequency, disease prevalence and penetrance estimates, and inheritance mode, an automated score was calculated to assess if this variant is too frequent to cause the disease. Based on the score and internal cut-off values, a variant classified as benign is not then subjected to further curation. The score for this variant resulted in a classification of benign for this disease.

GeneDx
Classification: Benign. Last evaluated: 2016-02-04. Review status: criteria provided, single submitter. Criteria: GeneDx Variant Classification (06012015). Collection method: clinical testing. Allele origin: germline. Affected: yes.
Comment: This variant is considered likely benign or benign based on one or more of the following criteria: it is a conservative change, it occurs at a poorly conserved position in the protein, it is predicted to be benign by multiple in silico algorithms, and/or has population frequency not consistent with disease.

Eurofins Ntd Llc (ga)
Classification: Benign. Last evaluated: 2014-06-12. Review status: criteria provided, single submitter. Criteria: EGL Classification Definitions 2015. Collection method: clinical testing. Allele origin: germline. Observed: 1 variant allele, 1 heterozygote.

Genetic Services Laboratory, University of Chicago
Classification: Benign for AllHighlyPenetrant. Last evaluated: 2013-08-15. Review status: criteria provided, single submitter. Criteria: ACMG Guidelines, 2007. Collection method: clinical testing. Allele origin: germline. Inheritance: Autosomal recessive inheritance.

Breakthrough Genomics
Classification: Benign. Review status: criteria provided, single submitter. Criteria: ACMG Guidelines, 2015. Collection method: not provided. Allele origin: germline. Inheritance: Autosomal recessive inheritance. Affected: yes.

PreventionGenetics, part of Exact Sciences
Classification: Benign. Review status: criteria provided, single submitter. Criteria: ACMG Guidelines, 2015. Collection method: clinical testing. Allele origin: germline.